The following is an entry in ClinVar:

NM_001292063.2(OTOG):c.2084C>T (p.Ser695Phe)

Gene: OTOG (otogelin; plus strand). Cytogenetic location: 11p15.1.
Variant type: single nucleotide variant.
Coding change: c.2084C>T on transcript NM_001292063.2 (MANE Select); coding-DNA position 2084, C replaced by T.
Protein change: p.Ser695Phe; replaces serine 695 with phenylalanine.
Molecular consequence: missense variant.
Genome position (GRCh38, 1-based): chr11:17,573,081, C>T. VCF-style: chr11-17573081-C-T. GRCh37 (hg19) VCF-style: chr11-17594628-C-T.
Other names: c.2120C>T, p.Ser707Phe (NM_001277269.2); short protein forms S695F, S707F.
Identifiers: ClinVar variation 1413599 (VCV001413599.7), dbSNP rs1430140899, ClinGen allele CA379769790.
Genomic context (GRCh38, chr11:17,573,081, plus strand): 5'-GGGACACCAGGTAGACCGACTCCCCTGACTGCCTGGCTCCTGTTCTTCCTTCCCCAGCCT[C>T]CTACTCAGTGCAGGCCTGCAGCGTGCTCACGGGGGAGATGTTTGCGCCCTGCTCTGCGTT-3'
Protein context (NP_001278992.1, residues 685-705): DPCDVHLQAA[Ser695Phe]YSVQACSVLT

ClinVar aggregate classification (germline): Uncertain significance. Review status: criteria provided, multiple submitters, no conflicts (2 of 4 stars). 2 submissions from 2 submitters: Uncertain significance (2). Last evaluated 2022-06-12.

Conditions:
Autosomal recessive nonsyndromic hearing loss 18B. Also called: Deafness, autosomal recessive 18b. Identifiers: Orphanet 90636, MedGen C3554163, MONDO:0013985, OMIM 614945.

Allele frequency attached by ClinVar (database versions not stated): TOPMed 0.00003.
gnomAD v4.1: 103 of 1,546,446 alleles (0.0067%); highest among the groups gnomAD compares: Non-Finnish European, 0.0088%; no homozygotes.

Submissions (2):

Labcorp Genetics (formerly Invitae), Labcorp
Classification: Uncertain significance. Last evaluated: 2022-06-12. Review status: criteria provided, single submitter. Criteria: Invitae Variant Classification Sherloc (09022015). Collection method: clinical testing. Allele origin: germline.
Comment: In summary, the available evidence is currently insufficient to determine the role of this variant in disease. Therefore, it has been classified as a Variant of Uncertain Significance. Algorithms developed to predict the effect of missense changes on protein structure and function are either unavailable or do not agree on the potential impact of this missense change (SIFT: "Deleterious"; PolyPhen-2: "Probably Damaging"; Align-GVGD: "Class C0"). This variant has not been reported in the literature in individuals affected with OTOG-related conditions. This variant is present in population databases (no rsID available, gnomAD 0.006%). This sequence change replaces serine, which is neutral and polar, with phenylalanine, which is neutral and non-polar, at codon 707 of the OTOG protein (p.Ser707Phe).

Fulgent Genetics
Classification: Uncertain significance for Autosomal recessive nonsyndromic hearing loss 18B. Last evaluated: 2021-09-23. Review status: criteria provided, single submitter. Criteria: ACMG Guidelines, 2015. Collection method: clinical testing. Allele origin: unknown.